The following is an entry in ClinVar:

NM_001376.5(DYNC1H1):c.3809A>C (p.Asn1270Thr)

Gene: DYNC1H1 (dynein cytoplasmic 1 heavy chain 1; plus strand). Cytogenetic location: 14q32.31.
Variant type: single nucleotide variant.
Coding change: c.3809A>C on transcript NM_001376.5 (MANE Select); coding-DNA position 3809, A replaced by C.
Protein change: p.Asn1270Thr; replaces asparagine 1270 with threonine.
Molecular consequence: missense variant.
Genome position (GRCh38, 1-based): chr14:101,999,993, A>C. VCF-style: chr14-101999993-A-C. GRCh37 (hg19) VCF-style: chr14-102466330-A-C.
Other names: short protein forms N1270T.
Identifiers: ClinVar variation 1375924 (VCV001375924.8), dbSNP rs1246328675, ClinGen allele CA391038023.
Genomic context (GRCh38, chr14:101,999,993, plus strand): 5'-TGCTCATCTCTCCTGAGACATTGTGCTCCAATTCTCTGTGCTCTGACTGCTTTCAGGGCA[A>C]CCTTCGCCCAGAAGAGGCACTTCAGGCTCTCACCATATATGAGGGGAAGTTTGGTAGGCT-3'
Protein context (NP_001367.2, residues 1260-1280): DWEKTKPVTG[Asn1270Thr]LRPEEALQAL

ClinVar aggregate classification (germline): Uncertain significance (1 of 4 stars; one submission).

Conditions:
Charcot-Marie-Tooth disease axonal type 2O. Also called: CHARCOT-MARIE-TOOTH NEUROPATHY, AXONAL, TYPE 2O; CHARCOT-MARIE-TOOTH DISEASE, AXONAL, AUTOSOMAL DOMINANT, TYPE 2O; Charcot-Marie-Tooth Neuropathy Type 2O; Charcot-Marie-Tooth disease, axonal, type 20. Identifiers: Orphanet 284232, MedGen C3280220, MONDO:0013644, OMIM 614228.

Submission:

Labcorp Genetics (formerly Invitae), Labcorp
Classification: Uncertain significance for Charcot-Marie-Tooth disease axonal type 2O. Last evaluated: 2022-02-17. Review status: criteria provided, single submitter. Criteria: Invitae Variant Classification Sherloc (09022015). Collection method: clinical testing. Allele origin: germline.
Comment: This sequence change replaces asparagine, which is neutral and polar, with threonine, which is neutral and polar, at codon 1270 of the DYNC1H1 protein (p.Asn1270Thr). This variant is not present in population databases (gnomAD no frequency). This variant has not been reported in the literature in individuals affected with DYNC1H1-related conditions. Advanced modeling of protein sequence and biophysical properties (such as structural, functional, and spatial information, amino acid conservation, physicochemical variation, residue mobility, and thermodynamic stability) performed at Invitae indicates that this missense variant is not expected to disrupt DYNC1H1 protein function. In summary, the available evidence is currently insufficient to determine the role of this variant in disease. Therefore, it has been classified as a Variant of Uncertain Significance.